The following is an entry in ClinVar:

NM_001042492.3(NF1):c.7602dup (p.Lys2535Ter)

Gene: NF1 (neurofibromin 1; plus strand). Cytogenetic location: 17q11.2.
Variant type: Duplication.
Coding change: c.7602dup on transcript NM_001042492.3 (MANE Select); coding-DNA position 7602, one base duplicated (T; older notation c.7602dupT).
Protein change: p.Lys2535Ter; replaces lysine 2535 with a stop codon.
Molecular consequence: nonsense. On other transcripts: frameshift variant (1).
Genome position (GRCh38, 1-based): chr17:31,352,401, T duplicated. VCF-style (leftmost placement, unchanged base first): chr17-31352400-C-CT. GRCh37 (hg19) VCF-style: chr17-29679418-C-CT.
Other names: c.7539dup, p.Lys2514Terfs (NM_000267.4); short protein forms K2535*, K2514*.
Identifiers: ClinVar variation 872187 (VCV000872187.46), dbSNP rs2070172428, ClinGen allele CA645572272.
Genomic context (GRCh38, chr17:31,352,400, plus strand): 5'-CCAGTCCCCGAGCCAGGAAATCCATGAGCCTGGACATGGGGCAACCTTCTCAGGCCAACA[C>CT]TAAGAAGTTGCTTGGTTAGTTTATCTAAATTATGTAGATTTTTTTTATTATTTAAAAAAA-3'

ClinVar aggregate classification (germline): Pathogenic. Review status: criteria provided, multiple submitters, no conflicts (2 of 4 stars). 3 submissions from 3 submitters: Pathogenic (3). Last evaluated 2022-03-15.

Conditions:
Neurofibromatosis, type 1 (NF1). Also called: Neurofibromatosis, type I; NEUROFIBROMATOSIS, TYPE I, SOMATIC; VON RECKLINGHAUSEN DISEASE; Peripheral type neurofibromatosis. Identifiers: Orphanet 636, MedGen C0027831, MONDO:0018975, OMIM 162200. Disease mechanism: loss of function.

Submissions (3):

Genome-Nilou Lab
Classification: Pathogenic for Neurofibromatosis, type 1. Last evaluated: 2022-03-15. Review status: criteria provided, single submitter. Criteria: ACMG Guidelines, 2015. Collection method: clinical testing. Allele origin: germline. Affected: no.

Labcorp Genetics (formerly Invitae), Labcorp
Classification: Pathogenic for Neurofibromatosis, type 1. Last evaluated: 2020-10-02. Review status: criteria provided, single submitter. Criteria: Invitae Variant Classification Sherloc (09022015). Collection method: clinical testing. Allele origin: germline.
Comment: For these reasons, this variant has been classified as Pathogenic. Loss-of-function variants in NF1 are known to be pathogenic (PMID: 10712197, 23913538). This variant has not been reported in the literature in individuals with NF1-related conditions. ClinVar contains an entry for this variant (Variation ID: 872187). This variant is not present in population databases (ExAC no frequency). This sequence change creates a premature translational stop signal (p.Lys2514*) in the NF1 gene. It is expected to result in an absent or disrupted protein product.

CeGaT Center for Human Genetics Tuebingen
Classification: Pathogenic. Last evaluated: 2017-02-01. Review status: criteria provided, single submitter. Criteria: CeGaT Center For Human Genetics Tuebingen Variant Classification Criteria Version 2. Collection method: clinical testing. Allele origin: germline. Affected: yes. Observed: 1 variant allele.

Literature cited by the submitters: PubMed 10712197 (cited by Labcorp Genetics (formerly Invitae), Labcorp); PubMed 23913538 (cited by Labcorp Genetics (formerly Invitae), Labcorp).